The following is an entry in ClinVar:

NM_000038.6(APC):c.6094A>G (p.Ile2032Val)

Gene: APC (APC regulator of Wnt signaling pathway; plus strand). Cytogenetic location: 5q22.2.
Variant type: single nucleotide variant.
Coding change: c.6094A>G on transcript NM_000038.6 (MANE Select); coding-DNA position 6094, A replaced by G.
Protein change: p.Ile2032Val; replaces isoleucine 2032 with valine.
Molecular consequence: missense variant.
Genome position (GRCh38, 1-based): chr5:112,841,688, A>G. VCF-style: chr5-112841688-A-G. GRCh37 (hg19) VCF-style: chr5-112177385-A-G.
Other names: c.5971A>G, p.Ile1991Val (NM_001354900.2); c.5917A>G, p.Ile1973Val (NM_001354901.2); c.5821A>G, p.Ile1941Val (NM_001354902.2); c.5791A>G, p.Ile1931Val (NM_001354903.2); c.5716A>G, p.Ile1906Val (NM_001354904.2); c.5614A>G, p.Ile1872Val (NM_001354905.2); c.5245A>G, p.Ile1749Val (NM_001354906.2); c.6094A>G, p.Ile2032Val (NM_001127510.3, NM_001354895.2); and 5 more; short protein forms I2014V, I2032V, I1749V, I1973V, I1931V, I2007V, I2042V, I1941V.
Identifiers: ClinVar variation 482443 (VCV000482443.17), dbSNP rs1429082315, ClinGen allele CA16034670.

ClinVar aggregate classification (germline): Uncertain significance. Review status: criteria provided, multiple submitters, no conflicts (2 of 4 stars). 6 submissions from 6 submitters: Uncertain significance (6). Last evaluated 2024-06-05.

Conditions:
Hereditary cancer-predisposing syndrome. Also called: Neoplastic Syndromes, Hereditary; Tumor predisposition; Hereditary Cancer Syndrome; Hereditary neoplastic syndrome. Identifiers: Orphanet 140162, MedGen C0027672, MeSH D009386, MONDO:0015356.
Familial adenomatous polyposis 1 (FAP1). Also called: FAMILIAL ADENOMATOUS POLYPOSIS 1, ATTENUATED; POLYPOSIS, ADENOMATOUS INTESTINAL. Identifiers: MedGen C2713442, MONDO:0021056, OMIM 175100. Disease mechanism: loss of function.
Classic or attenuated familial adenomatous polyposis. Identifiers: MedGen CN372698, MONDO:0021057.

Allele frequency attached by ClinVar (database versions not stated): gnomAD exomes below 0.00001; TOPMed below 0.00001.
gnomAD v4.1: 4 of 1,613,888 alleles (0.00025%); highest among the groups gnomAD compares: Admixed American, 0.005%; no homozygotes.

Submissions (6):

Labcorp Genetics (formerly Invitae), Labcorp
Classification: Uncertain significance for Familial adenomatous polyposis 1. Last evaluated: 2024-06-05. Review status: criteria provided, single submitter. Criteria: Invitae Variant Classification Sherloc (09022015). Collection method: clinical testing. Allele origin: germline.
Comment: This sequence change replaces isoleucine, which is neutral and non-polar, with valine, which is neutral and non-polar, at codon 2032 of the APC protein (p.Ile2032Val). This variant is present in population databases (no rsID available, gnomAD 0.003%). This variant has not been reported in the literature in individuals affected with APC-related conditions. ClinVar contains an entry for this variant (Variation ID: 482443). Advanced modeling of protein sequence and biophysical properties (such as structural, functional, and spatial information, amino acid conservation, physicochemical variation, residue mobility, and thermodynamic stability) performed at Invitae indicates that this missense variant is not expected to disrupt APC protein function with a negative predictive value of 95%. In summary, the available evidence is currently insufficient to determine the role of this variant in disease. Therefore, it has been classified as a Variant of Uncertain Significance.

Color Diagnostics, LLC DBA Color Health
Classification: Uncertain significance for Hereditary cancer-predisposing syndrome. Last evaluated: 2024-03-06. Review status: criteria provided, single submitter. Criteria: ACMG Guidelines, 2015. Collection method: clinical testing. Allele origin: germline.
Comment: This missense variant replaces isoleucine with valine at codon 2032 of the APC protein. Computational prediction suggests that this variant may not impact protein structure and function (internally defined REVEL score threshold <= 0.5, PMID: 27666373). To our knowledge, functional studies have not been reported for this variant. This variant has not been reported in individuals affected with hereditary cancer in the literature. This variant has been identified in 1/250840 chromosomes in the general population by the Genome Aggregation Database (gnomAD). The available evidence is insufficient to determine the role of this variant in disease conclusively. Therefore, this variant is classified as a Variant of Uncertain Significance.

All of Us Research Program, National Institutes of Health
Classification: Uncertain significance for Classic or attenuated familial adenomatous polyposis. Last evaluated: 2024-01-11. Review status: criteria provided, single submitter. Criteria: ACMG Guidelines, 2015. Collection method: clinical testing. Allele origin: germline. Inheritance: Autosomal dominant inheritance. Observed: 1 variant allele, 1 heterozygote.
Comment: This missense variant replaces isoleucine with valine at codon 2032 of the APC protein. Computational prediction suggests that this variant may not impact protein structure and function (internally defined REVEL score threshold <= 0.5, PMID: 27666373). To our knowledge, functional studies have not been reported for this variant. This variant has not been reported in individuals affected with hereditary cancer in the literature. This variant has been identified in 1/250840 chromosomes in the general population by the Genome Aggregation Database (gnomAD). The available evidence is insufficient to determine the role of this variant in disease conclusively. Therefore, this variant is classified as a Variant of Uncertain Significance.

This study involves interpretation of variants in research participants for the purpose of population health screening. Participant phenotype was not available at the time of variant classification. Additional details can be found in publication PMID: 35346344, PMCID: PMC8962531

Baylor Genetics
Classification: Uncertain significance for Familial adenomatous polyposis 1. Last evaluated: 2023-11-27. Review status: criteria provided, single submitter. Criteria: ACMG Guidelines, 2015. Collection method: clinical testing. Allele origin: unknown.

Ambry Genetics
Classification: Uncertain significance for Hereditary cancer-predisposing syndrome. Last evaluated: 2023-10-12. Review status: criteria provided, single submitter. Criteria: Ambry Variant Classification Scheme 2023. Collection method: clinical testing. Allele origin: germline.
Comment: The p.I2032V variant (also known as c.6094A>G), located in coding exon 15 of the APC gene, results from an A to G substitution at nucleotide position 6094. The isoleucine at codon 2032 is replaced by valine, an amino acid with highly similar properties. This amino acid position is highly conserved in available vertebrate species. In addition, in silico predictors for this gene do not accurately predict pathogenicity. Since supporting evidence is limited at this time, the clinical significance of this alteration remains unclear.

GeneDx
Classification: Uncertain significance. Last evaluated: 2023-02-28. Review status: criteria provided, single submitter. Criteria: GeneDx Variant Classification Process June 2021. Collection method: clinical testing. Allele origin: germline. Affected: yes.
Comment: Not observed at significant frequency in large population cohorts (gnomAD); In silico analysis supports that this missense variant does not alter protein structure/function; Has not been previously published as pathogenic or benign to our knowledge; This variant is associated with the following publications: (PMID: 18199528, 32686686)